The following is an entry in ClinVar:

ClinVar aggregate classification (germline): Uncertain significance. Review status: criteria provided, multiple submitters, no conflicts (2 of 4 stars). 3 submissions from 3 submitters: Uncertain significance (3). Last evaluated 2025-09-10.

Conditions:
Hereditary cancer-predisposing syndrome. Also called: Tumor predisposition; Neoplastic Syndromes, Hereditary; Hereditary Cancer Syndrome; Hereditary neoplastic syndrome. Identifiers: Orphanet 140162, MedGen C0027672, MeSH D009386, MONDO:0015356.
Cardiovascular phenotype. Identifiers: MedGen CN230736.
Neurofibromatosis, type 1 (NF1). Also called: Neurofibromatosis, type I; NEUROFIBROMATOSIS, TYPE I, SOMATIC; Peripheral type neurofibromatosis; VON RECKLINGHAUSEN DISEASE. Identifiers: Orphanet 636, MedGen C0027831, MONDO:0018975, OMIM 162200. Disease mechanism: loss of function.

Allele frequency attached by ClinVar (database versions not stated): gnomAD 0.00001.
gnomAD v4.1: 1 of 1,613,450 alleles (0.000062%); highest among the groups gnomAD compares: Admixed American, 0.0017%; no homozygotes.

Submissions (3):

Labcorp Genetics (formerly Invitae), Labcorp
Classification: Uncertain significance for Neurofibromatosis, type 1. Last evaluated: 2025-09-10. Review status: criteria provided, single submitter. Criteria: Invitae Variant Classification Sherloc (09022015). Collection method: clinical testing. Allele origin: germline.
Comment: This sequence change replaces valine, which is neutral and non-polar, with alanine, which is neutral and non-polar, at codon 1321 of the NF1 protein (p.Val1321Ala). This variant is not present in population databases (gnomAD no frequency). This variant has not been reported in the literature in individuals affected with NF1-related conditions. ClinVar contains an entry for this variant (Variation ID: 404548). Invitae Evidence Modeling of protein sequence and biophysical properties (such as structural, functional, and spatial information, amino acid conservation, physicochemical variation, residue mobility, and thermodynamic stability) indicates that this missense variant is expected to disrupt NF1 protein function with a positive predictive value of 95%. In summary, the available evidence is currently insufficient to determine the role of this variant in disease. Therefore, it has been classified as a Variant of Uncertain Significance.

Genome-Nilou Lab
Classification: Uncertain significance for Neurofibromatosis, type 1. Last evaluated: 2022-03-15. Review status: criteria provided, single submitter. Criteria: ACMG Guidelines, 2015. Collection method: clinical testing. Allele origin: germline. Affected: no.

Ambry Genetics
Classification: Uncertain significance for Cardiovascular phenotype; Hereditary cancer-predisposing syndrome. Last evaluated: 2018-06-26. Review status: criteria provided, single submitter. Criteria: Ambry Variant Classification Scheme 2023. Collection method: clinical testing. Allele origin: germline.
Comment: The p.V1321A variant (also known as c.3962T>C), located in coding exon 29 of the NF1 gene, results from a T to C substitution at nucleotide position 3962. The valine at codon 1321 is replaced by alanine, an amino acid with similar properties. This amino acid position is highly conserved in available vertebrate species. In addition, this alteration is predicted to be deleterious by in silico analysis. Since supporting evidence is limited at this time, the clinical significance of this alteration remains unclear.

NM_001042492.3(NF1):c.3962T>C (p.Val1321Ala)

Gene: NF1 (neurofibromin 1; plus strand). Cytogenetic location: 17q11.2.
Variant type: single nucleotide variant.
Coding change: c.3962T>C on transcript NM_001042492.3 (MANE Select); coding-DNA position 3962, T replaced by C.
Protein change: p.Val1321Ala; replaces valine 1321 with alanine.
Molecular consequence: missense variant.
Genome position (GRCh38, 1-based): chr17:31,236,009, T>C. VCF-style: chr17-31236009-T-C. GRCh37 (hg19) VCF-style: chr17-29563027-T-C.
Other names: c.3962T>C, p.Val1321Ala (NM_000267.4); short protein forms V1321A.
Identifiers: ClinVar variation 404548 (VCV000404548.10), dbSNP rs1060500337, ClinGen allele CA16615637.